The following is an entry in ClinVar:

NM_000277.3(PAH):c.594T>A (p.Tyr198Ter)

Gene: PAH (phenylalanine hydroxylase; minus strand). Cytogenetic location: 12q23.2.
Variant type: single nucleotide variant.
Coding change: c.594T>A on transcript NM_000277.3 (MANE Select); coding-DNA position 594, T replaced by A.
Protein change: p.Tyr198Ter; replaces tyrosine 198 with a stop codon.
Molecular consequence: nonsense.
Genome position (GRCh38, 1-based): chr12:102,855,248, A>T on the plus strand (T>A on the coding strand, the complement: PAH is on the minus strand). VCF-style: chr12-102855248-A-T. GRCh37 (hg19) VCF-style: chr12-103249026-A-T.
Other names: c.594T>A, p.Tyr198Ter (NM_001354304.2); short protein forms Y198*.
Identifiers: ClinVar variation 3724489 (VCV003724489.2).
Genomic context (GRCh38, chr12:102,855,248, plus strand): 5'-GCCACAGTACTTTTCAAGAAGTGGAAAAATGTGATTGTACTCATAGCAAGCATGGGTTTT[A>T]TACAAGGACTTCAGAGTCTTGAACACTGTGCCCCATGTTTTCTTTTCTTCCTCCATGTAT-3'

ClinVar aggregate classification (germline): Pathogenic (1 of 4 stars; one submission).

Conditions:
Phenylketonuria (PKU). Also called: FOLLING DISEASE; OLIGOPHRENIA PHENYLPYRUVICA; Phenylketonurias; Phenylketonuria (PKU). Identifiers: Orphanet 716, MedGen C0031485, MONDO:0009861, OMIM 261600. Disease mechanism: loss of function.

Submission:

Labcorp Genetics (formerly Invitae), Labcorp
Classification: Pathogenic for Phenylketonuria. Last evaluated: 2024-11-03. Review status: criteria provided, single submitter. Criteria: Invitae Variant Classification Sherloc (09022015). Collection method: clinical testing. Allele origin: germline.
Comment: This sequence change creates a premature translational stop signal (p.Tyr198*) in the PAH gene. It is expected to result in an absent or disrupted protein product. Loss-of-function variants in PAH are known to be pathogenic (PMID: 1301187, 9634518). This variant is not present in population databases (gnomAD no frequency). This premature translational stop signal has been observed in individual(s) with phenylketonuria (PMID: 21307867). For these reasons, this variant has been classified as Pathogenic.

Literature cited by the submitters: PubMed 1301187; PubMed 9634518; PubMed 21307867.